The following is an entry in ClinVar:

ClinVar aggregate classification (germline): Uncertain significance. Review status: criteria provided, multiple submitters, no conflicts (2 of 4 stars). 3 submissions from 3 submitters: Uncertain significance (3). Last evaluated 2024-06-10.

Conditions:
Neuronopathy, distal hereditary motor, autosomal recessive 4. Also called: NEUROPATHY, DISTAL HEREDITARY MOTOR, AUTOSOMAL RECESSIVE 4; Autosomal recessive lower motor neuron disease with childhood onset. Identifiers: Orphanet 206580, MedGen C1970211, MONDO:0012608, OMIM 611067.
Charcot-Marie-Tooth disease recessive intermediate C. Also called: CHARCOT-MARIE-TOOTH NEUROPATHY, RECESSIVE INTERMEDIATE C. Identifiers: Orphanet 369867, MedGen C3809309, MONDO:0014154, OMIM 615376.

Allele frequency attached by ClinVar (database versions not stated): ExAC 0.00002; gnomAD 0.00002; gnomAD exomes 0.00002 and 0.00003; TOPMed 0.00003.
gnomAD v4.1: 48 of 1,610,046 alleles (0.003%); highest among the groups gnomAD compares: Non-Finnish European, 0.0039%; no homozygotes.

Submissions (3):

GeneDx
Classification: Uncertain significance. Last evaluated: 2024-06-10. Review status: criteria provided, single submitter. Criteria: GeneDx Variant Classification Process June 2021. Collection method: clinical testing. Allele origin: germline. Affected: yes.
Comment: Not observed at significant frequency in large population cohorts (gnomAD); In silico analysis indicates that this missense variant does not alter protein structure/function; Has not been previously published as pathogenic or benign to our knowledge

Mayo Clinic Laboratories, Mayo Clinic
Classification: Uncertain significance. Last evaluated: 2022-07-22. Review status: criteria provided, single submitter. Criteria: ACMG Guidelines, 2015. Collection method: clinical testing. Allele origin: germline. Observed: 4 variant alleles.
Comment: BP4, PM2

Labcorp Genetics (formerly Invitae), Labcorp
Classification: Uncertain significance for Neuronopathy, distal hereditary motor, autosomal recessive 4; Charcot-Marie-Tooth disease recessive intermediate C. Last evaluated: 2022-07-15. Review status: criteria provided, single submitter. Criteria: Invitae Variant Classification Sherloc (09022015). Collection method: clinical testing. Allele origin: germline.
Comment: This sequence change replaces methionine, which is neutral and non-polar, with threonine, which is neutral and polar, at codon 427 of the PLEKHG5 protein (p.Met427Thr). This variant is present in population databases (rs754678569, gnomAD 0.004%). This variant has not been reported in the literature in individuals affected with PLEKHG5-related conditions. ClinVar contains an entry for this variant (Variation ID: 658159). Algorithms developed to predict the effect of missense changes on protein structure and function output the following: SIFT: "Tolerated"; PolyPhen-2: "Benign"; Align-GVGD: "Class C0". The threonine amino acid residue is found in multiple mammalian species, which suggests that this missense change does not adversely affect protein function. In summary, the available evidence is currently insufficient to determine the role of this variant in disease. Therefore, it has been classified as a Variant of Uncertain Significance.

NM_020631.6(PLEKHG5):c.1280T>C (p.Met427Thr)

Gene: PLEKHG5 (pleckstrin homology and RhoGEF domain containing G5; minus strand). Cytogenetic location: 1p36.31.
Variant type: single nucleotide variant.
Coding change: c.1280T>C on transcript NM_020631.6 (MANE Select); coding-DNA position 1280, T replaced by C.
Protein change: p.Met427Thr; replaces methionine 427 with threonine.
Molecular consequence: missense variant.
Genome position (GRCh38, 1-based): chr1:6,471,489, A>G on the plus strand (T>C on the coding strand, the complement: PLEKHG5 is on the minus strand). VCF-style: chr1-6471489-A-G. GRCh37 (hg19) VCF-style: chr1-6531549-A-G.
Other names: p.Met504Thr; c.1391T>C, p.Met464Thr (NM_001042663.3, NM_001265592.2); c.1280T>C, p.Met427Thr (NM_001042664.2, NM_001042665.2, NM_001265594.3 and 1 more transcripts); c.1487T>C, p.Met496Thr (NM_001265593.2); c.1511T>C (NM_198681.3); short protein forms M496T, M427T, M464T.
Identifiers: ClinVar variation 658159 (VCV000658159.9), dbSNP rs754678569, ClinGen allele CA561584.